The following is an entry in ClinVar:

ClinVar aggregate classification (germline): Uncertain significance (1 of 4 stars; one submission).

Submission:

CeGaT Center for Human Genetics Tuebingen
Classification: Uncertain significance. Last evaluated: 2023-01-01. Review status: criteria provided, single submitter. Criteria: CeGaT Center For Human Genetics Tuebingen Variant Classification Criteria Version 2. Collection method: clinical testing. Allele origin: germline. Affected: yes. Observed: 1 variant allele.
Comment: AARS1: PM2

NM_001605.3(AARS1):c.204A>T (p.Arg68Ser)

Gene: AARS1 (alanyl-tRNA synthetase 1; minus strand). Cytogenetic location: 16q22.1.
Variant type: single nucleotide variant.
Coding change: c.204A>T on transcript NM_001605.3 (MANE Select); coding-DNA position 204, A replaced by T.
Protein change: p.Arg68Ser; replaces arginine 68 with serine.
Molecular consequence: missense variant.
Genome position (GRCh38, 1-based): chr16:70,277,095, T>A on the plus strand (A>T on the coding strand, the complement: AARS1 is on the minus strand). VCF-style: chr16-70277095-T-A. GRCh37 (hg19) VCF-style: chr16-70310998-T-A.
Other names: short protein forms R68S.
Identifiers: ClinVar variation 2646680 (VCV002646680.24), dbSNP rs2507029729, ClinGen allele CA396569728.